The following is an entry in ClinVar:

ClinVar aggregate classification (germline): Pathogenic (1 of 4 stars; one submission).

Conditions:
Hereditary factor XI deficiency disease. Also called: PLASMA THROMBOPLASTIN ANTECEDENT DEFICIENCY; PTA DEFICIENCY; ROSENTHAL SYNDROME; Congenital factor XI deficiency. Identifiers: Orphanet 329, MedGen C0015523, MeSH D005173, MONDO:0012897, OMIM 612416.

Submission:

Myriad Genetics, Inc.
Classification: Pathogenic for Hereditary factor XI deficiency disease. Last evaluated: 2024-05-14. Review status: criteria provided, single submitter. Criteria: Myriad Autosomal Dominant, Autosomal Recessive and X-Linked Classification Criteria (2023). Collection method: clinical testing. Allele origin: unknown.
Comment: NM_000128.3(F11):c.252del1ins11(E84Dfs*11) is expected to be pathogenic in the context of factor XI deficiency. This variant is predicted to lead to an abnormal or absent protein product due to the creation of a premature termination codon in F11, a gene where loss-of-function variants are known to be pathogenic. Please note: this variant was assessed in the context of healthy population screening.

NM_000128.4(F11):c.252delinsCTGTCTCTTAT (p.Glu84fs)

Gene: F11 (coagulation factor XI; plus strand). Cytogenetic location: 4q35.2.
Variant type: Indel.
Coding change: c.252delinsCTGTCTCTTAT on transcript NM_000128.4 (MANE Select); coding-DNA position 252, A replaced by CTGTCTCTTAT.
Protein change: p.Glu84fs; shifts the reading frame from glutamic acid 84.
Molecular consequence: frameshift variant.
Genome position (GRCh38, 1-based): chr4:186,273,104, A replaced by CTGTCTCTTAT. VCF-style: chr4-186273104-A-CTGTCTCTTAT. GRCh37 (hg19) VCF-style: chr4-187194258-A-CTGTCTCTTAT.
Other names: c.252delinsCTGTCTCTTAT, p.Glu84fs (NM_001354804.2, NM_001440590.1, NM_001440593.1 and 5 more transcripts); short protein forms E84fs.
Identifiers: ClinVar variation 5011166 (VCV005011166.1).